The following is an entry in ClinVar:

NM_001875.5(CPS1):c.3760A>G (p.Ile1254Val)

Gene: CPS1 (carbamoyl-phosphate synthase 1; plus strand). Cytogenetic location: 2q34.
Variant type: single nucleotide variant.
Coding change: c.3760A>G on transcript NM_001875.5 (MANE Select); coding-DNA position 3760, A replaced by G.
Protein change: p.Ile1254Val; replaces isoleucine 1254 with valine.
Molecular consequence: missense variant. On other transcripts: non-coding transcript variant (2).
Genome position (GRCh38, 1-based): chr2:210,660,488, A>G. VCF-style: chr2-210660488-A-G. GRCh37 (hg19) VCF-style: chr2-211525212-A-G.
Other names: c.3760A>G, p.Ile1254Val (NM_001122633.3, NM_001369257.1); c.3793A>G, p.Ile1265Val (NM_001369256.1); short protein forms I1254V, I1265V.
Identifiers: ClinVar variation 4536707 (VCV004536707.1).
Genomic context (GRCh38, chr2:210,660,488, plus strand): 5'-TATTGTTGTTACTGGCTCTCAATGTCCTCTTTCTCATTTTGAATTTTATCTCTTCAGGTG[A>G]TTGAGTGTAACTTGAGAGCTTCTCGATCCTTCCCCTTTGTTTCCAAGACTCTTGGGGTTG-3'
Protein context (NP_001866.2, residues 1244-1264): FLVKGNDVLV[Ile1254Val]ECNLRASRSF

ClinVar aggregate classification (germline): Uncertain significance (1 of 4 stars; one submission).

Submission:

Women's Health and Genetics/Laboratory Corporation of America, LabCorp
Classification: Uncertain significance. Last evaluated: 2025-11-14. Review status: criteria provided, single submitter. Criteria: LabCorp Variant Classification Summary - May 2015. Collection method: clinical testing. Allele origin: germline.
Comment: Variant summary: CPS1 c.3760A>G (p.Ile1254Val) results in a conservative amino acid change in the encoded protein sequence. Algorithms developed to predict the effect of missense changes on protein structure and function are either unavailable or do not agree on the potential impact of this missense change. The variant was absent in 251340 control chromosomes. The available data on variant occurrences in the general population are insufficient to allow any conclusion about variant significance. To our knowledge, no occurrence of c.3760A>G in individuals affected with CPS1-related conditions and no experimental evidence demonstrating its impact on protein function have been reported. No submitters have cited clinical-significance assessments for this variant to ClinVar. Based on the evidence outlined above, the variant was classified as uncertain significance.